The following is an entry in ClinVar:

NM_007294.4(BRCA1):c.2599C>G (p.Gln867Glu)

Gene: BRCA1 (BRCA1 DNA repair associated; minus strand). Cytogenetic location: 17q21.31.
Variant type: single nucleotide variant.
Coding change: c.2599C>G on transcript NM_007294.4 (MANE Select); coding-DNA position 2599, C replaced by G.
Protein change: p.Gln867Glu; replaces glutamine 867 with glutamic acid.
Molecular consequence: missense variant. On other transcripts: intron variant (137).
Genome position (GRCh38, 1-based): chr17:43,092,932, G>C on the plus strand (C>G on the coding strand, the complement: BRCA1 is on the minus strand). VCF-style: chr17-43092932-G-C. GRCh37 (hg19) VCF-style: chr17-41244949-G-C.
Other names: c.2599C>G, p.Gln867Glu (NM_001407605.1, NM_001407616.1, NM_001407617.1 and 30 more transcripts); c.2596C>G, p.Gln866Glu (NM_001407610.1, NM_001407611.1, NM_001407612.1 and 22 more transcripts); c.2476C>G, p.Gln826Glu (NM_001407648.1, NM_001407669.1, NM_001407674.1 and 19 more transcripts); c.2473C>G, p.Gln825Glu (NM_001407649.1, NM_001407670.1, NM_001407671.1 and 11 more transcripts); c.2521C>G, p.Gln841Glu (NM_001407653.1, NM_001407654.1, NM_001407655.1 and 4 more transcripts); c.2518C>G, p.Gln840Glu (NM_001407659.1, NM_001407660.1, NM_001407661.1 and 1 more transcripts); c.2458C>G, p.Gln820Glu (NM_001407692.1, NM_001407694.1, NM_001407695.1 and 29 more transcripts); c.2455C>G, p.Gln819Glu (NM_001407740.1, NM_001407741.1, NM_001407742.1 and 20 more transcripts); and 41 more; short protein forms Q820E, Q867E, Q778E, Q799E, Q825E, Q864E, Q739E, Q755E.
Identifiers: ClinVar variation 862352 (VCV000862352.14), dbSNP rs886038001, ClinGen allele CA10596796.

ClinVar aggregate classification (germline): Conflicting classifications of pathogenicity. Review status: criteria provided, conflicting classifications (1 of 4 stars). 3 submissions from 3 submitters: Uncertain significance (2); Likely benign (1). Last evaluated 2024-04-16.

Conditions:
Hereditary breast ovarian cancer syndrome. Also called: Hereditary breast and/or ovarian cancer syndrome; BRCA1- and BRCA2-Associated Hereditary Breast and Ovarian Cancer; Hereditary breast and ovarian cancer syndrome; Hereditary breast and ovarian cancer; Hereditary breast and ovarian cancer syndrome (HBOC); Breast and ovarian cancer. Identifiers: Orphanet 145, MedGen C0677776, MeSH D061325, MONDO:0003582. Disease mechanism: loss of function.
Breast-ovarian cancer, familial, susceptibility to, 1 (BROVCA1). Also called: BRCA1 Hereditary Breast and Ovarian Cancer; OVARIAN CANCER, SUSCEPTIBILITY TO. Identifiers: Orphanet 145, MedGen C2676676, MONDO:0011450, OMIM 604370. Disease mechanism: loss of function.
Pancreatic cancer, susceptibility to, 4. Identifiers: Orphanet 1333, MedGen C3280442, MONDO:0013685, OMIM 614320.
Fanconi anemia, complementation group S (FANCS). Identifiers: MedGen C4554406, MONDO:0054748, OMIM 617883.
Hereditary cancer-predisposing syndrome. Also called: Tumor predisposition; Hereditary Cancer Syndrome; Hereditary neoplastic syndrome; Neoplastic Syndromes, Hereditary. Identifiers: Orphanet 140162, MedGen C0027672, MeSH D009386, MONDO:0015356.

Submissions (3):

Fulgent Genetics
Classification: Uncertain significance for Breast-ovarian cancer, familial, susceptibility to, 1; Pancreatic cancer, susceptibility to, 4; Fanconi anemia, complementation group S. Last evaluated: 2024-04-16. Review status: criteria provided, single submitter. Criteria: ACMG Guidelines, 2015. Collection method: clinical testing. Allele origin: germline.

University of Washington Department of Laboratory Medicine, University of Washington
Classification: Likely benign for Hereditary cancer-predisposing syndrome. Last evaluated: 2023-03-23. Review status: criteria provided, single submitter. Criteria: Dines et al. (Genet Med. 2020). Collection method: curation. Allele origin: germline.
Comment: Missense variant in a coldspot region where missense variants are very unlikely to be pathogenic (PMID:31911673).

BRCA1 coldspot (exon 11 using historical exon numbering). Reclassification based on statistical prior probability

Labcorp Genetics (formerly Invitae), Labcorp
Classification: Uncertain significance for Hereditary breast ovarian cancer syndrome. Last evaluated: 2019-01-07. Review status: criteria provided, single submitter. Criteria: Invitae Variant Classification Sherloc (09022015). Collection method: clinical testing. Allele origin: germline.
Comment: In summary, the available evidence is currently insufficient to determine the role of this variant in disease. Therefore, it has been classified as a Variant of Uncertain Significance. Algorithms developed to predict the effect of missense changes on protein structure and function are either unavailable or do not agree on the potential impact of this missense change (SIFT: "Tolerated"; PolyPhen-2: "Probably Damaging"; Align-GVGD: "Class C0"). This variant has not been reported in the literature in individuals with BRCA1-related conditions. This variant is not present in population databases (ExAC no frequency). This sequence change replaces glutamine with glutamic acid at codon 867 of the BRCA1 protein (p.Gln867Glu). The glutamine residue is moderately conserved and there is a small physicochemical difference between glutamine and glutamic acid.